The following is an entry in ClinVar:

NM_001378328.1(CELSR1):c.4552G>C (p.Val1518Leu)

Gene: CELSR1 (cadherin EGF LAG seven-pass G-type receptor 1; minus strand). Cytogenetic location: 22q13.31.
Variant type: single nucleotide variant.
Coding change: c.4552G>C on transcript NM_001378328.1 (MANE Select); coding-DNA position 4552, G replaced by C.
Protein change: p.Val1518Leu; replaces valine 1518 with leucine.
Molecular consequence: missense variant.
Genome position (GRCh38, 1-based): chr22:46,433,452, C>G on the plus strand (G>C on the coding strand, the complement: CELSR1 is on the minus strand). VCF-style: chr22-46433452-C-G. GRCh37 (hg19) VCF-style: chr22-46829349-C-G.
Other names: c.4552G>C, p.Val1518Leu (NM_014246.4); short protein forms V1518L.
Identifiers: ClinVar variation 2357936 (VCV002357936.4), dbSNP rs61737817, ClinGen allele CA10294604.
Genomic context (GRCh38, chr22:46,433,452, plus strand): 5'-CCTTGTTGTAGTACTGCACCTGCACAGAGTGCCACCGCCCGTCACTCACACCACTGGGAA[C>G]CTTCGGTGCCACGGTCGTTGTTGTCTCGCCTGCATGGTGGGAGGGAGACCCAGAGAGAAA-3'
Protein context (NP_001365257.1, residues 1508-1528): GETTTTVAPK[Val1518Leu]PSGVSDGRWH

ClinVar aggregate classification (germline): Uncertain significance. Review status: criteria provided, multiple submitters, no conflicts (2 of 4 stars). 2 submissions from 2 submitters: Uncertain significance (2). Last evaluated 2024-11-08.

Conditions:
Lymphatic malformation 9. Identifiers: MedGen C5543365, MONDO:0030270, OMIM 619319.

Allele frequency attached by ClinVar (database versions not stated): 1000 Genomes Project 30x 0.00016.
gnomAD v4.1: 472 of 1,614,046 alleles (0.029%); highest among the groups gnomAD compares: Non-Finnish European, 0.037%; no homozygotes.

Submissions (2):

Ambry Genetics
Classification: Uncertain significance. Last evaluated: 2024-11-08. Review status: criteria provided, single submitter. Criteria: Ambry Variant Classification Scheme 2023. Collection method: clinical testing. Allele origin: germline.

Clinical Genomics Laboratory, Washington University in St. Louis
Classification: Uncertain significance for Lymphatic malformation 9. Last evaluated: 2024-07-25. Review status: criteria provided, single submitter. Criteria: ACMG Guidelines, 2015. Collection method: clinical testing. Allele origin: germline.
Comment: A CELSR1 c.4552G>C (p.Val1518Leu) variant was identified at near heterozygous allelic fraction of 44.5%, a frequency which may be consistent with it being of germline origin. This variant, to our knowledge, has not been reported in the medical literature and is observed on 472/1,614,046 alleles in the general population (gnomAD v4.1.0). The CELSR1 c.4552G>C (p.Val1518Leu) variant has been reported in the ClinVar database as a variant of uncertain significance in a germline state by one submitter (ClinVar Variation ID: 2357936). Computational predictors are uncertain as to the impact of this variant on CELSR1 function. Due to limited information, and based on ACMG/AMP guidelines for variant interpretation (Richards S et al., PMID: 25741868), this variant is classified as being of uncertain significance at this time.